The following is an entry in ClinVar:

ClinVar aggregate classification (germline): Uncertain significance (0 of 4 stars; one submission).

Conditions:
GUCY2D-related disorder. Also called: GUCY2D-related condition.

Submission:

PreventionGenetics, part of Exact Sciences
Classification: Uncertain significance for GUCY2D-related condition. Last evaluated: 2024-09-09. Review status: no assertion criteria provided. Collection method: clinical testing. Allele origin: germline.
Comment: The GUCY2D c.2161C>T variant is predicted to result in the amino acid substitution p.Arg721Cys. To our knowledge, this variant has not been reported in the literature. This variant is reported in 0.0018% of alleles in individuals of European (Non-Finnish) descent in gnomAD. At this time, the clinical significance of this variant is uncertain due to the absence of conclusive functional and genetic evidence.

NM_000180.4(GUCY2D):c.2161C>T (p.Arg721Cys)

Gene: GUCY2D (guanylate cyclase 2D, retinal; plus strand). Cytogenetic location: 17p13.1.
Variant type: single nucleotide variant.
Coding change: c.2161C>T on transcript NM_000180.4 (MANE Select); coding-DNA position 2161, C replaced by T.
Protein change: p.Arg721Cys; replaces arginine 721 with cysteine.
Molecular consequence: missense variant.
Genome position (GRCh38, 1-based): chr17:8,013,150, C>T. VCF-style: chr17-8013150-C-T. GRCh37 (hg19) VCF-style: chr17-7916468-C-T.
Other names: short protein forms R721C.
Identifiers: ClinVar variation 3356323 (VCV003356323.1).
Genomic context (GRCh38, chr17:8,013,150, plus strand): 5'-TCCCCATCCCCAGACCAGCTGTGGACAGCCCCGGAGCTGCTTAGGGACCCAGCCCTGGAG[C>T]GCCGGGGAACGCTGGCCGGCGACGTCTTTAGCTTGGCCATCATCATGCAAGAAGTAGTGT-3'
Protein context (NP_000171.1, residues 711-731): PELLRDPALE[Arg721Cys]RGTLAGDVFS